The following is an entry in ClinVar:

ClinVar aggregate classification (germline): Uncertain significance. Review status: criteria provided, multiple submitters, no conflicts (2 of 4 stars). 2 submissions from 2 submitters: Uncertain significance (2). Last evaluated 2021-09-01.

Conditions:
Hereditary cancer-predisposing syndrome. Also called: Tumor predisposition; Neoplastic Syndromes, Hereditary; Hereditary Cancer Syndrome; Hereditary neoplastic syndrome. Identifiers: Orphanet 140162, MedGen C0027672, MeSH D009386, MONDO:0015356.
Ataxia-telangiectasia syndrome (AT). Also called: ATAXIA-TELANGIECTASIA, COMPLEMENTATION GROUP A; ATAXIA-TELANGIECTASIA, FRESNO VARIANT; Ataxia-telangiectasia; Ataxia-telangiectasia, complementation group D; AT, COMPLEMENTATION GROUP C; Ataxia-telangiectasia, complementation group E. Identifiers: Orphanet 100, MedGen C0004135, MONDO:0008840, OMIM 208900.

Submissions (2):

Labcorp Genetics (formerly Invitae), Labcorp
Classification: Uncertain significance for Ataxia-telangiectasia syndrome. Last evaluated: 2021-09-01. Review status: criteria provided, single submitter. Criteria: Invitae Variant Classification Sherloc (09022015). Collection method: clinical testing. Allele origin: germline.
Comment: This sequence change replaces threonine with proline at codon 2031 of the ATM protein (p.Thr2031Pro). The threonine residue is weakly conserved and there is a small physicochemical difference between threonine and proline. This variant is not present in population databases (ExAC no frequency). This variant has not been reported in the literature in individuals affected with ATM-related conditions. Algorithms developed to predict the effect of missense changes on protein structure and function are either unavailable or do not agree on the potential impact of this missense change (SIFT: "Tolerated"; PolyPhen-2: "Possibly Damaging"; Align-GVGD: "Class C0"). In summary, the available evidence is currently insufficient to determine the role of this variant in disease. Therefore, it has been classified as a Variant of Uncertain Significance.

Ambry Genetics
Classification: Uncertain significance for Hereditary cancer-predisposing syndrome. Last evaluated: 2021-04-15. Review status: criteria provided, single submitter. Criteria: Ambry Variant Classification Scheme 2023. Collection method: clinical testing. Allele origin: germline.
Comment: The p.T2031P variant (also known as c.6091A>C), located in coding exon 40 of the ATM gene, results from an A to C substitution at nucleotide position 6091. The threonine at codon 2031 is replaced by proline, an amino acid with highly similar properties. This amino acid position is not well conserved in available vertebrate species. In addition, this alteration is predicted to be tolerated by in silico analysis. Since supporting evidence is limited at this time, the clinical significance of this alteration remains unclear.

NM_000051.4(ATM):c.6091A>C (p.Thr2031Pro)

Genes: ATM (ATM serine/threonine kinase; plus strand), C11orf65 (chromosome 11 open reading frame 65; minus strand). Cytogenetic location: 11q22.3.
Variant type: single nucleotide variant.
Coding change: c.6091A>C on transcript NM_000051.4 (MANE Select); coding-DNA position 6091, A replaced by C.
Protein change: p.Thr2031Pro; replaces threonine 2031 with proline.
Molecular consequence: missense variant. On other transcripts: intron variant (2).
Genome position (GRCh38, 1-based): chr11:108,315,907, A>C. VCF-style: chr11-108315907-A-C. GRCh37 (hg19) VCF-style: chr11-108186634-A-C.
Other names: c.6091A>C, p.Thr2031Pro (NM_001351834.2); c.641-6836T>G (NM_001330368.2); c.*39-6836T>G (NM_001351110.2); short protein forms T2031P.
Identifiers: ClinVar variation 857294 (VCV000857294.49), dbSNP rs1591777327, ClinGen allele CA382550202.